The following is an entry in ClinVar:

NM_018486.3(HDAC8):c.295+2T>G

Gene: HDAC8 (histone deacetylase 8; minus strand). Cytogenetic location: Xq13.1.
Variant type: single nucleotide variant.
Coding change: c.295+2T>G on transcript NM_018486.3 (MANE Select); the canonical splice donor site of the intron after coding-DNA position 295, T replaced by G.
Molecular consequence: splice donor variant. On other transcripts: intron variant (3).
Genome position (GRCh38, 1-based): chrX:72,568,752, A>C on the plus strand (T>G on the coding strand, the complement: HDAC8 is on the minus strand). VCF-style: chrX-72568752-A-C. GRCh37 (hg19) VCF-style: chrX-71788602-A-C.
Other names: c.164+3305T>G (NM_001166418.2, NM_001410728.1, NM_001166448.2); c.295+2T>G (NM_001410727.1, NM_001410725.1, NM_001410729.1 and 4 more transcripts).
Identifiers: ClinVar variation 844191 (VCV000844191.10), dbSNP rs2051897517, ClinGen allele CA413574945.

ClinVar aggregate classification (germline): Pathogenic (1 of 4 stars; one submission).

Conditions:
Cornelia de Lange syndrome 5 (CDLS5). Also called: HDAC8-Related Cornelia de Lange Syndrome. Identifiers: Orphanet 199, MedGen C3550903, MONDO:0010471, OMIM 300882.

Submission:

Labcorp Genetics (formerly Invitae), Labcorp
Classification: Pathogenic for Cornelia de Lange syndrome 5. Last evaluated: 2019-02-26. Review status: criteria provided, single submitter. Criteria: Invitae Variant Classification Sherloc (09022015). Collection method: clinical testing. Allele origin: germline.
Comment: For these reasons, this variant has been classified as Pathogenic. Donor and acceptor splice site variants typically lead to a loss of protein function (PMID: 16199547), and loss-of-function variants in HDAC8 are known to be pathogenic (PMID: 19605684, 22885700, 24403048, 25075551, 26671848). Algorithms developed to predict the effect of sequence changes on RNA splicing suggest that this variant may disrupt the consensus splice site, but this prediction has not been confirmed by published transcriptional studies. This variant is not present in population databases (ExAC no frequency). This sequence change affects a donor splice site in intron 3 of the HDAC8 gene. It is expected to disrupt RNA splicing and likely results in an absent or disrupted protein product.

Literature cited by the submitters: PubMed 16199547; PubMed 19605684; PubMed 22885700; PubMed 24403048; PubMed 25075551; PubMed 26671848.